The following is an entry in ClinVar:

ClinVar aggregate classification (germline): Uncertain significance (1 of 4 stars; one submission).

Submission:

Labcorp Genetics (formerly Invitae), Labcorp
Classification: Uncertain significance. Last evaluated: 2025-04-17. Review status: criteria provided, single submitter. Criteria: Invitae Variant Classification Sherloc (09022015). Collection method: clinical testing. Allele origin: germline.
Comment: This sequence change replaces alanine, which is neutral and non-polar, with lysine, which is basic and polar, at codon 19 of the TOP2B protein (p.Ala19Lys). Information on the frequency of this variant in the gnomAD database is not available, as this variant may be reported differently in the database. This variant has not been reported in the literature in individuals affected with TOP2B-related conditions. An algorithm developed to predict the effect of missense changes on protein structure and function (PolyPhen-2) suggests that this variant is likely to be tolerated. In summary, the available evidence is currently insufficient to determine the role of this variant in disease. Therefore, it has been classified as a Variant of Uncertain Significance.

NM_001330700.2(TOP2B):c.55_56delinsAA (p.Ala19Lys)

Genes: TOP2B (DNA topoisomerase II beta; minus strand), LOC129936375 (ATAC-STARR-seq lymphoblastoid silent region 14146; plus strand). Cytogenetic location: 3p24.2.
Variant type: Indel.
Coding change: c.55_56delinsAA on transcript NM_001330700.2 (MANE Select); coding-DNA positions 55 to 56, GC replaced by AA.
Protein change: p.Ala19Lys; replaces alanine 19 with lysine.
Molecular consequence: missense variant.
Genome position (GRCh38, 1-based): chr3:25,664,242-25,664,243, GC replaced by TT on the plus strand (GC replaced by AA on the coding strand, the reverse complement: TOP2B is on the minus strand). VCF-style: chr3-25664242-GC-TT. GRCh37 (hg19) VCF-style: chr3-25705733-GC-TT.
Other names: c.55_56delinsAA, p.Ala19Lys (NM_001068.3); short protein forms A19K.
Identifiers: ClinVar variation 4717743 (VCV004717743.1).